The following is an entry in ClinVar:

ClinVar aggregate classification (germline): Pathogenic/Likely pathogenic. Review status: criteria provided, multiple submitters, no conflicts (2 of 4 stars). 2 submissions from 2 submitters: Pathogenic (1); Likely pathogenic (1). Last evaluated 2025-01-15.

Conditions:
Hypotonia, infantile, with psychomotor retardation and characteristic facies 3 (IHPRF3). Also called: TBCK-Related Neurodevelopmental Disorder. Identifiers: Orphanet 488632, MedGen C5567480, MONDO:0014823, OMIM 616900.

Allele frequency attached by ClinVar (database versions not stated): gnomAD exomes below 0.00001.
gnomAD v4.1: 3 of 1,601,406 alleles (0.00019%); highest among the groups gnomAD compares: Non-Finnish European, 0.00026%; no homozygotes.

Submissions (2):

Broad Center for Mendelian Genomics, Broad Institute of MIT and Harvard
Classification: Likely pathogenic for Hypotonia, infantile, with psychomotor retardation and characteristic facies 3. Last evaluated: 2025-01-15. Review status: criteria provided, single submitter. Criteria: ACMG Guidelines, 2015. Collection method: curation. Allele origin: germline. Inheritance: Autosomal recessive inheritance.
Comment: The p.Cys221Ter variant in TBCK has not been previously reported in the literature in individuals with TBCK-related intellectual disability syndrome, but has been identified in 0.0003% (3/1174984) of European (non-Finnish) chromosomes by the Genome Aggregation Database (gnomAD). Although this variant has been seen in the general population in a heterozygous state, its frequency is low enough to be consistent with a recessive carrier frequency. This variant has also been reported in ClinVar (Variation ID: 2008265) and has been interpreted as pathogenic by Invitae. This nonsense variant leads to a premature termination codon at position 221, which is predicted to lead to a truncated or absent protein. Loss of function of the TBCK gene is an established disease mechanism in autosomal recessive TBCK-related intellectual disability syndrome. In summary, although additional studies are required to fully establish its clinical significance, this variant is likely pathogenic for autosomal recessive TBCK-related intellectual disability syndrome. ACMG/AMP Criteria applied: PVS1, PM2_supporting (Richards 2015).

Labcorp Genetics (formerly Invitae), Labcorp
Classification: Pathogenic. Last evaluated: 2022-06-19. Review status: criteria provided, single submitter. Criteria: Invitae Variant Classification Sherloc (09022015). Collection method: clinical testing. Allele origin: germline.
Comment: This sequence change creates a premature translational stop signal (p.Cys221*) in the TBCK gene. It is expected to result in an absent or disrupted protein product. Loss-of-function variants in TBCK are known to be pathogenic (PMID: 27040692, 30103036). For these reasons, this variant has been classified as Pathogenic. This variant has not been reported in the literature in individuals affected with TBCK-related conditions. This variant is not present in population databases (gnomAD no frequency).

Literature cited by the submitters: PubMed 27040692 (cited by Labcorp Genetics (formerly Invitae), Labcorp); PubMed 30103036 (cited by Labcorp Genetics (formerly Invitae), Labcorp).

NM_001163435.3(TBCK):c.663T>A (p.Cys221Ter)

Gene: TBCK (TBC1 domain containing kinase; minus strand). Cytogenetic location: 4q24.
Variant type: single nucleotide variant.
Coding change: c.663T>A on transcript NM_001163435.3 (MANE Select); coding-DNA position 663, T replaced by A.
Protein change: p.Cys221Ter; replaces cysteine 221 with a stop codon.
Molecular consequence: nonsense.
Genome position (GRCh38, 1-based): chr4:106,248,978, A>T on the plus strand (T>A on the coding strand, the complement: TBCK is on the minus strand). VCF-style: chr4-106248978-A-T. GRCh37 (hg19) VCF-style: chr4-107170135-A-T.
Other names: NM_001163435.3(TBCK):c.663T>A; p.Cys221Ter; c.663T>A, p.Cys221Ter (NM_001163436.4); c.546T>A, p.Cys182Ter (NM_001163437.3); c.147T>A, p.Cys49Ter (NM_001290768.2); c.474T>A, p.Cys158Ter (NM_033115.5); short protein forms C182*, C221*, C158*, C49*.
Identifiers: ClinVar variation 2008265 (VCV002008265.5), dbSNP rs1324981567, ClinGen allele CA357825196.